The following is an entry in ClinVar:

NM_203447.4(DOCK8):c.3495A>G (p.Thr1165=)

Gene: DOCK8 (dedicator of cytokinesis 8; plus strand). Cytogenetic location: 9p24.3.
Variant type: single nucleotide variant.
Coding change: c.3495A>G on transcript NM_203447.4 (MANE Select); coding-DNA position 3495, A replaced by G.
Protein change: p.Thr1165=; no amino-acid change (threonine 1165 retained).
Molecular consequence: synonymous variant.
Genome position (GRCh38, 1-based): chr9:407,034, A>G. VCF-style: chr9-407034-A-G. GRCh37 (hg19) VCF-style: chr9-407034-A-G.
Other names: c.3195A>G, p.Thr1065= (NM_001190458.2); c.3291A>G, p.Thr1097= (NM_001193536.2).
Identifiers: ClinVar variation 1099537 (VCV001099537.11), dbSNP rs1286928049, ClinGen allele CA463687968.

ClinVar aggregate classification (germline): Likely benign. Review status: criteria provided, multiple submitters, no conflicts (2 of 4 stars). 2 submissions from 2 submitters: Likely benign (2). Last evaluated 2026-06-01.

Conditions:
Combined immunodeficiency due to DOCK8 deficiency (HIES2). Also called: DOCK8 Deficiency; HIES autosomal recessive; Hyper-IgE recurrent infection syndrome, autosomal recessive; HYPER-IgE RECURRENT INFECTION SYNDROME 2, AUTOSOMAL RECESSIVE; HYPER-IgE SYNDROME 2, AUTOSOMAL RECESSIVE, WITH RECURRENT INFECTIONS. Identifiers: Orphanet 217390, MedGen C4722305, MONDO:0009478, OMIM 243700.

Allele frequency attached by ClinVar (database versions not stated): gnomAD 0.00001.
gnomAD v4.1: 4 of 1,613,986 alleles (0.00025%); highest among the groups gnomAD compares: Non-Finnish European, 0.00034%; no homozygotes.

Submissions (2):

CeGaT Center for Human Genetics Tuebingen
Classification: Likely benign. Last evaluated: 2026-06-01. Review status: criteria provided, single submitter. Criteria: CeGaT Center For Human Genetics Tuebingen Variant Classification Criteria Version 2. Collection method: clinical testing. Allele origin: germline. Affected: yes. Observed: 1 variant allele.
Comment: DOCK8: BP4, BP7

Labcorp Genetics (formerly Invitae), Labcorp
Classification: Likely benign for Combined immunodeficiency due to DOCK8 deficiency. Last evaluated: 2020-02-27. Review status: criteria provided, single submitter. Criteria: Invitae Variant Classification Sherloc (09022015). Collection method: clinical testing. Allele origin: germline.